The following is an entry in ClinVar:

NM_015443.4(KANSL1):c.1736_1737delinsGGATT (p.Leu579delinsArgIle)

Gene: KANSL1 (KAT8 regulatory NSL complex subunit 1). Cytogenetic location: 17q21.31.
Variant type: Indel.
Coding change: c.1736_1737delinsGGATT on transcript NM_015443.4 (MANE Select); coding-DNA positions 1736 to 1737, the reference bases replaced by GGATT.
Protein change: p.Leu579delinsArgIle.
Molecular consequence: inframe indel.
Genome position: GRCh38 VCF-style: chr17-46066648-GA-AATCC. GRCh37 (hg19) VCF-style: chr17-44144014-GA-AATCC.
Other names: c.1736_1737delinsGGATT, p.Leu579delinsArgIle (NM_001193465.2, NM_001193466.2, NM_001379198.1 and 14 more transcripts); c.1634_1635delinsGGATT, p.Leu545delinsArgIle (NM_001405859.1, NM_001405860.1, NM_001405861.1 and 1 more transcripts); c.470_471delinsGGATT, p.Leu157delinsArgIle (NM_001405882.1, NM_001405883.1, NM_001405884.1 and 1 more transcripts).
Identifiers: ClinVar variation 4279755 (VCV004279755.1).

ClinVar aggregate classification (germline): Uncertain significance (1 of 4 stars; one submission).

Conditions:
Koolen-de Vries syndrome (KDVS). Identifiers: Orphanet 96169, MedGen C1864871, MONDO:0012496, OMIM 610443.

Submission:

Clinical Genomics Laboratory, Washington University in St. Louis
Classification: Uncertain significance for Koolen-de Vries syndrome. Last evaluated: 2025-04-21. Review status: criteria provided, single submitter. Criteria: ACMG Guidelines, 2015. Collection method: clinical testing. Allele origin: germline.
Comment: The KANSL1 c.1736_1737delinsGGATT (p.Leu579delinsArgIle) variant, to our knowledge, has not been reported in the medical literature and is absent from the general population (gnomAD v.2.1.1), indicating it is not a common variant. This variant is predicted to cause a change in the length of the protein due to an in-frame deletion of one amino acid and insertion of two amino acids in a non-repeat region immediately upstream of the WDR5 binding region. Due to limited information, and based on ACMG/AMP guidelines for variant interpretation (Richards S et al., PMID: 25741868), the clinical significance of this variant is uncertain at this time.